The following is an entry in ClinVar:

ClinVar aggregate classification (germline): Uncertain significance (1 of 4 stars; one submission).

Conditions:
TANC2-related disorder. Also called: TANC2-related condition.

Submission:

PreventionGenetics, part of Exact Sciences
Classification: Uncertain significance for TANC2-related condition. Last evaluated: 2025-10-06. Review status: criteria provided, single submitter. Criteria: ACMG Guidelines, 2015. Collection method: clinical testing. Allele origin: germline.
Comment: The TANC2 c.5404T>C variant is predicted to result in the amino acid substitution p.Ser1802Pro. To our knowledge, this variant has not been reported in the literature or in a large population database (gnomAD), indicating this variant is rare. At this time, the clinical significance of this variant is uncertain due to the absence of conclusive functional and genetic evidence.

NM_001394998.1(TANC2):c.5656T>C (p.Ser1886Pro)

Gene: TANC2 (tetratricopeptide repeat, ankyrin repeat and coiled-coil containing 2; plus strand). Cytogenetic location: 17q23.3.
Variant type: single nucleotide variant.
Coding change: c.5656T>C on transcript NM_001394998.1 (MANE Select); coding-DNA position 5656, T replaced by C.
Protein change: p.Ser1886Pro; replaces serine 1886 with proline.
Molecular consequence: missense variant.
Genome position (GRCh38, 1-based): chr17:63,421,386, T>C. VCF-style: chr17-63421386-T-C. GRCh37 (hg19) VCF-style: chr17-61498747-T-C.
Other names: c.5434T>C, p.Ser1812Pro (NM_001411076.1); c.5404T>C, p.Ser1802Pro (NM_025185.4); short protein forms S1812P, S1886P, S1802P.
Identifiers: ClinVar variation 4994546 (VCV004994546.1).